The following is an entry in ClinVar:

NM_001367805.3(KIF23):c.1502A>G (p.Asp501Gly)

Gene: KIF23 (kinesin family member 23; plus strand). Cytogenetic location: 15q23.
Variant type: single nucleotide variant.
Coding change: c.1502A>G on transcript NM_001367805.3 (MANE Select); coding-DNA position 1502, A replaced by G.
Protein change: p.Asp501Gly; replaces aspartic acid 501 with glycine.
Molecular consequence: missense variant. On other transcripts: non-coding transcript variant (2).
Genome position (GRCh38, 1-based): chr15:69,436,627, A>G. VCF-style: chr15-69436627-A-G. GRCh37 (hg19) VCF-style: chr15-69728966-A-G.
Other names: c.1130A>G, p.Asp377Gly (NM_001281301.2); c.1460A>G, p.Asp487Gly (NM_001367804.2, NM_004856.7, NM_138555.4); short protein forms D501G, D377G, D487G.
Identifiers: ClinVar variation 1907158 (VCV001907158.5), dbSNP rs2505060112, ClinGen allele CA393007693.
Genomic context (GRCh38, chr15:69,436,627, plus strand): 5'-CATTGGTTACTGACGTGGTTTTGCAGAGTTTTCCACCTTTGCCATCATGCGAAATTTTGG[A>G]TATCAACGATGAGCAGACACTTCCAAGGCTGATTGAAGCCTTAGAGAAACGACATAACTT-3'
Protein context (NP_001354734.1, residues 491-511): FPPLPSCEIL[Asp501Gly]INDEQTLPRL

ClinVar aggregate classification (germline): Uncertain significance (1 of 4 stars; one submission).

Allele frequency attached by ClinVar (database versions not stated): gnomAD exomes 0.00001.
gnomAD v4.1: 9 of 1,612,606 alleles (0.00056%); highest among the groups gnomAD compares: Non-Finnish European, 0.00076%; no homozygotes.

Submission:

Labcorp Genetics (formerly Invitae), Labcorp
Classification: Uncertain significance. Last evaluated: 2022-03-15. Review status: criteria provided, single submitter. Criteria: Invitae Variant Classification Sherloc (09022015). Collection method: clinical testing. Allele origin: germline.
Comment: This sequence change replaces aspartic acid, which is acidic and polar, with glycine, which is neutral and non-polar, at codon 487 of the KIF23 protein (p.Asp487Gly). This variant is not present in population databases (gnomAD no frequency). This variant has not been reported in the literature in individuals affected with KIF23-related conditions. Algorithms developed to predict the effect of missense changes on protein structure and function (SIFT, PolyPhen-2, Align-GVGD) all suggest that this variant is likely to be tolerated. In summary, the available evidence is currently insufficient to determine the role of this variant in disease. Therefore, it has been classified as a Variant of Uncertain Significance.